The following is an entry in ClinVar:

NM_003665.4(FCN3):c.267C>T (p.Gly89=)

Gene: FCN3 (ficolin 3; minus strand). Cytogenetic location: 1p36.11.
Variant type: single nucleotide variant.
Coding change: c.267C>T on transcript NM_003665.4 (MANE Select); coding-DNA position 267, C replaced by T.
Protein change: p.Gly89=; no amino-acid change (glycine 89 retained).
Molecular consequence: synonymous variant.
Genome position (GRCh38, 1-based): chr1:27,373,262, G>A on the plus strand (C>T on the coding strand, the complement: FCN3 is on the minus strand). VCF-style: chr1-27373262-G-A. GRCh37 (hg19) VCF-style: chr1-27699753-G-A.
Other names: c.234C>T, p.Gly78= (NM_173452.3).
Identifiers: ClinVar variation 3039088 (VCV003039088.2), dbSNP rs142397200, ClinGen allele CA714361.

ClinVar aggregate classification (germline): Likely benign (0 of 4 stars; one submission).

Conditions:
FCN3-related disorder. Also called: FCN3-related condition.

Allele frequency attached by ClinVar (database versions not stated): ExAC 0.00025; ESP Exome Variant Server 0.00092; gnomAD 0.00100; TOPMed 0.00116; 1000 Genomes Project 0.00140; 1000 Genomes Project 30x 0.00141.
gnomAD v4.1: 296 of 1,614,078 alleles (0.018%); highest among the groups gnomAD compares: African/African-American, 0.34%; 1 homozygote.

Submission:

PreventionGenetics, part of Exact Sciences
Classification: Likely benign for FCN3-related condition. Last evaluated: 2019-12-23. Review status: no assertion criteria provided. Collection method: clinical testing. Allele origin: germline.
Comment: This variant is classified as likely benign based on ACMG/AMP sequence variant interpretation guidelines (Richards et al. 2015 PMID: 25741868, with internal and published modifications).